The following is an entry in ClinVar:

NM_002693.3(POLG):c.216C>A (p.Asn72Lys)

Genes: POLG (DNA polymerase gamma, catalytic subunit; minus strand), POLGARF (POLG alternative reading frame; minus strand). Cytogenetic location: 15q26.1.
Variant type: single nucleotide variant.
Coding change: c.216C>A on transcript NM_002693.3 (MANE Select); coding-DNA position 216, C replaced by A.
Protein change: p.Asn72Lys; replaces asparagine 72 with lysine.
Molecular consequence: missense variant.
Genome position (GRCh38, 1-based): chr15:89,333,539, G>T on the plus strand (C>A on the coding strand, the complement: POLG is on the minus strand). VCF-style: chr15-89333539-G-T. GRCh37 (hg19) VCF-style: chr15-89876770-G-T.
Other names: c.271C>A, p.Pro91Thr (NM_001430120.1); c.216C>A, p.Asn72Lys (NM_001126131.2); short protein forms P91T, N72K.
Identifiers: ClinVar variation 4996076 (VCV004996076.1).
Genomic context (GRCh38, chr15:89,333,539, plus strand): 5'-CCCTCCTTGCCCGAAGATTTGCTCGTGCAGCCCTCTCGAGAGCATCTGGATGTCCAATGG[G>T]TTGTGCCGCAGCTGCCCGCCCTCCGAGGATAGCACTTGCGGCTGCTGAGGCTGCTGTTGC-3'
Protein context (NP_002684.1, residues 62-82): LSSEGGQLRH[Asn72Lys]PLDIQMLSRG

ClinVar aggregate classification (germline): Uncertain significance (1 of 4 stars; one submission).

Conditions:
POLG-related disorder. Also called: POLG-related condition; POLG-Related Disorders; POLG-Related Spectrum Disorders. Identifiers: MedGen C4763519.

Submission:

PreventionGenetics, part of Exact Sciences
Classification: Uncertain significance for POLG-related condition. Last evaluated: 2026-06-25. Review status: criteria provided, single submitter. Criteria: ACMG Guidelines, 2015. Collection method: clinical testing. Allele origin: germline.
Comment: The POLG c.216C>A variant is predicted to result in the amino acid substitution p.Asn72Lys. To our knowledge, this variant has not been reported in the literature or in a large population database (gnomAD), indicating this variant is rare. At this time, the clinical significance of this variant is uncertain due to the absence of conclusive functional and genetic evidence.